The following is an entry in ClinVar:

ClinVar aggregate classification (germline): Likely benign. Review status: criteria provided, multiple submitters, no conflicts (2 of 4 stars). 4 submissions from 4 submitters: Likely benign (4). Last evaluated 2025-10-23.

Conditions:
Inborn genetic diseases. Identifiers: MedGen C0950123, MeSH D030342.
PRDM13-related disorder. Also called: PRDM13-related condition.

Allele frequency attached by ClinVar (database versions not stated): gnomAD exomes 0.00005 and 0.00011; ExAC 0.00018; ESP Exome Variant Server 0.00052; gnomAD 0.00066 and 0.00072; TOPMed 0.00076; 1000 Genomes Project 0.00080; 1000 Genomes Project 30x 0.00094.

Submissions (4):

Labcorp Genetics (formerly Invitae), Labcorp
Classification: Likely benign. Last evaluated: 2025-10-23. Review status: criteria provided, single submitter. Criteria: Invitae Variant Classification Sherloc (09022015). Collection method: clinical testing. Allele origin: germline.

Ambry Genetics
Classification: Likely benign for Inborn genetic diseases. Last evaluated: 2025-08-28. Review status: criteria provided, single submitter. Criteria: Ambry Variant Classification Scheme 2023. Collection method: clinical testing. Allele origin: germline.

PreventionGenetics, part of Exact Sciences
Classification: Likely benign for PRDM13-related condition. Last evaluated: 2025-03-17. Review status: criteria provided, single submitter. Criteria: ACMG Guidelines, 2015. Collection method: clinical testing. Allele origin: germline.
Comment: This variant is classified as likely benign based on ACMG/AMP sequence variant interpretation guidelines (Richards et al. 2015 PMID: 25741868, with internal and published modifications).

Blueprint Genetics
Classification: Likely benign. Last evaluated: 2024-11-26. Review status: criteria provided, single submitter. Criteria: ACMG Guidelines, 2015. Collection method: clinical testing. Allele origin: germline.

NM_021620.4(PRDM13):c.1330C>T (p.Leu444Phe)

Gene: PRDM13 (PR/SET domain 13; plus strand). Cytogenetic location: 6q16.2.
Variant type: single nucleotide variant.
Coding change: c.1330C>T on transcript NM_021620.4 (MANE Select); coding-DNA position 1330, C replaced by T.
Protein change: p.Leu444Phe; replaces leucine 444 with phenylalanine.
Molecular consequence: missense variant.
Genome position (GRCh38, 1-based): chr6:99,613,965, C>T. VCF-style: chr6-99613965-C-T. GRCh37 (hg19) VCF-style: chr6-100061841-C-T.
Other names: c.1330C>T (NM_021620.3); short protein forms L444F.
Identifiers: ClinVar variation 1126902 (VCV001126902.12), dbSNP rs374145708, ClinGen allele CA3936363.